The following is an entry in ClinVar:

NM_001358530.2(MOCS1):c.*1629G>A

Genes: DAAM2 (dishevelled associated activator of morphogenesis 2; plus strand), MOCS1 (molybdenum cofactor synthesis 1; minus strand). Cytogenetic location: 6p21.2.
Variant type: single nucleotide variant.
Coding change: c.*1629G>A on transcript NM_001358530.2 (MANE Select); 1629 bases downstream of the stop codon, G replaced by A.
Molecular consequence: 3 prime UTR variant. On other transcripts: non-coding transcript variant (1).
Genome position (GRCh38, 1-based): chr6:39,904,728, C>T on the plus strand (G>A on the coding strand, the complement: MOCS1 is on the minus strand). VCF-style: chr6-39904728-C-T. GRCh37 (hg19) VCF-style: chr6-39872504-C-T.
Other names: c.*2691C>T (NM_001201427.2, NM_015345.4); c.*2397G>A (NM_001075098.4, NM_001358533.2, NM_001358534.2 and 1 more transcripts); c.*1629G>A (NM_001358529.2, NM_001358531.2).
Identifiers: ClinVar variation 905658 (VCV000905658.4), dbSNP rs3793137, ClinGen allele CA3795631.
Genomic context (GRCh38, chr6:39,904,728, plus strand): 5'-TCCACCAACTGGGGAACTGTGACTATCTATCTCCCCCGACTTCTACCAGGGATGCCTTCA[C>T]GCCAAGGCTGTTCTCACCAGCTGCCTCAGATGACAAATGAGGCTAATGGACATAATCTAC-3'

ClinVar aggregate classification (germline): Likely benign (1 of 4 stars; one submission).

Conditions:
Sulfite oxidase deficiency due to molybdenum cofactor deficiency type A. Also called: Molybdenum Cofactor Deficiency A; Molybdenum cofactor deficiency, complementation group A. Identifiers: Orphanet 308386, Orphanet 833, MedGen C1854988, MONDO:0009643, OMIM 252150.

Allele frequency attached by ClinVar (database versions not stated): 1000 Genomes Project 0.00339; 1000 Genomes Project 30x 0.00344.
gnomAD v4.1: 585 of 454,046 alleles (0.13%); highest among the groups gnomAD compares: African/African-American, 0.85%; 4 homozygotes.

Submission:

Illumina Laboratory Services, Illumina
Classification: Likely benign for Sulfite oxidase deficiency due to molybdenum cofactor deficiency type A. Last evaluated: 2018-01-13. Review status: criteria provided, single submitter. Criteria: ICSL Variant Classification Criteria 13 December 2019. Collection method: clinical testing. Allele origin: germline.
Comment: This variant was observed in the ICSL laboratory as part of a predisposition screen in an ostensibly healthy population. It had not been previously curated by ICSL or reported in the Human Gene Mutation Database (HGMD: prior to June 1st, 2018), and was therefore a candidate for classification through an automated scoring system. Utilizing variant allele frequency, disease prevalence and penetrance estimates, and inheritance mode, an automated score was calculated to assess if this variant is too frequent to cause the disease. Based on the score and internal cut-off values, a variant classified as likely benign is not then subjected to further curation. The score for this variant resulted in a classification of likely benign for this disease.